The following is an entry in ClinVar:

NM_000152.5(GAA):c.2095dup (p.Leu699fs)

Gene: GAA (alpha glucosidase; plus strand). Cytogenetic location: 17q25.3.
Variant type: Duplication.
Coding change: c.2095dup on transcript NM_000152.5 (MANE Select); coding-DNA position 2095, one base duplicated (C; older notation c.2095dupC).
Protein change: p.Leu699fs; shifts the reading frame from leucine 699.
Molecular consequence: frameshift variant.
Genome position (GRCh38, 1-based): chr17:80,113,272, C duplicated; the last of 3 consecutive C bases (chr17:80,113,270-80,113,272); duplicating any one gives the same sequence. VCF-style (leftmost placement, unchanged base first): chr17-80113269-G-GC. GRCh37 (hg19) VCF-style: chr17-78087068-G-GC.
Other names: c.2095dup, p.Leu699fs (NM_001079803.3, NM_001079804.3); short protein forms L699fs.
Identifiers: ClinVar variation 1457153 (VCV001457153.7), dbSNP rs2143895928, ClinGen allele CA2573154944.

ClinVar aggregate classification (germline): Pathogenic/Likely pathogenic. Review status: criteria provided, multiple submitters, no conflicts (2 of 4 stars). 2 submissions from 2 submitters: Pathogenic (1); Likely pathogenic (1). Last evaluated 2023-10-03.

Conditions:
Glycogen storage disease, type II (IOPD). Also called: CARDIOMEGALIA GLYCOGENICA DIFFUSA; Glucosidase acid-1,4-alpha deficiency; Pompe Disease; ACID MALTASE DEFICIENCY, INFANTILE-ONSET; POMPE DISEASE, INFANTILE-ONSET; GLYCOGEN STORAGE DISEASE II, INFANTILE-ONSET. Identifiers: Orphanet 365, MedGen C0017921, MONDO:0009290, OMIM 232300.

Submissions (2):

Baylor Genetics
Classification: Likely pathogenic for Glycogen storage disease, type II. Last evaluated: 2023-10-03. Review status: criteria provided, single submitter. Criteria: ACMG Guidelines, 2015. Collection method: clinical testing. Allele origin: unknown.

Labcorp Genetics (formerly Invitae), Labcorp
Classification: Pathogenic for Glycogen storage disease, type II. Last evaluated: 2021-03-07. Review status: criteria provided, single submitter. Criteria: Invitae Variant Classification Sherloc (09022015). Collection method: clinical testing. Allele origin: germline.
Comment: This sequence change creates a premature translational stop signal (p.Leu699Profs*38) in the GAA gene. It is expected to result in an absent or disrupted protein product. Loss-of-function variants in GAA are known to be pathogenic (PMID: 18425781, 22252923). This variant is not present in population databases (ExAC no frequency). This variant has not been reported in the literature in individuals with GAA-related conditions. For these reasons, this variant has been classified as Pathogenic.

Literature cited by the submitters: PubMed 18425781 (cited by Labcorp Genetics (formerly Invitae), Labcorp); PubMed 22252923 (cited by Labcorp Genetics (formerly Invitae), Labcorp).